The following is an entry in ClinVar:

ClinVar aggregate classification (germline): Likely benign (1 of 4 stars; one submission).

Submission:

CeGaT Center for Human Genetics Tuebingen
Classification: Likely benign. Last evaluated: 2024-11-01. Review status: criteria provided, single submitter. Criteria: CeGaT Center For Human Genetics Tuebingen Variant Classification Criteria Version 2. Collection method: clinical testing. Allele origin: germline. Affected: yes. Observed: 1 variant allele.
Comment: CIC: PM2:Supporting, BP4, BP7

NM_001386298.1(CIC):c.2046A>C (p.Pro682=)

Gene: CIC (capicua transcriptional repressor; plus strand). Cytogenetic location: 19q13.2.
Variant type: single nucleotide variant.
Coding change: c.2046A>C on transcript NM_001386298.1 (MANE Select); coding-DNA position 2046, A replaced by C.
Protein change: p.Pro682=; no amino-acid change (proline 682 retained).
Molecular consequence: synonymous variant.
Genome position (GRCh38, 1-based): chr19:42,273,829, A>C. VCF-style: chr19-42273829-A-C. GRCh37 (hg19) VCF-style: chr19-42777981-A-C.
Other names: c.2046A>C, p.Pro682= (NM_001304815.2, NM_001379480.1, NM_001379482.1).
Identifiers: ClinVar variation 3388594 (VCV003388594.14).
Genomic context (GRCh38, chr19:42,273,829, plus strand): 5'-CCTGAGCGCCAGCACCCCTAAGGCAGGCGTGCTGACGCCACCAGACCTGGGCCCCCACCC[A>C]CCGCCACCTGCCCCCCGAGAGCGCCACTCCTCTGGAATCCTACCCACCTTCCAGACCAAC-3'
Protein context (NP_001373227.1, residues 672-692): VLTPPDLGPH[Pro682=]PPPAPRERHS